The following is an entry in ClinVar:

NM_007294.4(BRCA1):c.4358-1G>A

Gene: BRCA1 (BRCA1 DNA repair associated; minus strand). Cytogenetic location: 17q21.31.
Variant type: single nucleotide variant.
Coding change: c.4358-1G>A on transcript NM_007294.4 (MANE Select); the canonical splice acceptor site of the intron before coding-DNA position 4358, G replaced by A.
Molecular consequence: splice acceptor variant. On other transcripts: intron variant (138).
Genome position (GRCh38, 1-based): chr17:43,076,615, C>T on the plus strand (G>A on the coding strand, the complement: BRCA1 is on the minus strand). VCF-style: chr17-43076615-C-T. GRCh37 (hg19) VCF-style: chr17-41228632-C-T.
Other names: c.4214-4G>A (NM_001407839.1, NM_001407842.1, NM_001407846.1 and 8 more transcripts); c.4214-1G>A (NM_001407745.1, NM_001407746.1, NM_001407747.1 and 11 more transcripts); c.4094-1G>A (NM_001407922.1, NM_001407925.1, NM_001407921.1 and 4 more transcripts); c.905-4G>A (NM_001408469.1, NM_001408468.1); c.908-1G>A (NM_001408453.1, NM_001408455.1, NM_001408452.1 and 3 more transcripts); c.4217-4G>A (NM_001407737.1, NM_001407738.1, NM_001407945.1 and 7 more transcripts); c.4217-1G>A (NM_001407728.1, NM_007297.4, NM_001407731.1 and 13 more transcripts); c.908-4G>A (NM_001408461.1, NM_001408458.1, NM_001408459.1 and 1 more transcripts); and 98 more.
Identifiers: ClinVar variation 230815 (VCV000230815.17), dbSNP rs876658790, ClinGen allele CA10580523.
Genomic context (GRCh38, chr17:43,076,615, plus strand): 5'-AAAGGCCTTCTGGATTCTGGCTTATAGGGTATTCACTACTTTTCTGTGAAGTTAATACTG[C>T]TTTAAATGGAATGAGAAAACAAATCTACTTTACTGCTTTGTTCTGATAGTGATAATTCAG-3'

ClinVar aggregate classification (germline): Uncertain significance. Review status: criteria provided, multiple submitters, no conflicts (2 of 4 stars). 3 submissions from 3 submitters: Uncertain significance (3). Last evaluated 2026-03-04.

Conditions:
Hereditary cancer-predisposing syndrome. Also called: Tumor predisposition; Hereditary neoplastic syndrome; Hereditary Cancer Syndrome; Neoplastic Syndromes, Hereditary. Identifiers: Orphanet 140162, MedGen C0027672, MeSH D009386, MONDO:0015356.
Hereditary breast ovarian cancer syndrome. Also called: Hereditary breast and ovarian cancer; Breast and ovarian cancer; BRCA1- and BRCA2-Associated Hereditary Breast and Ovarian Cancer; Hereditary breast and/or ovarian cancer syndrome; Hereditary breast and ovarian cancer syndrome; Hereditary breast and ovarian cancer syndrome (HBOC). Identifiers: Orphanet 145, MedGen C0677776, MeSH D061325, MONDO:0003582. Disease mechanism: loss of function.

Submissions (3):

Ambry Genetics
Classification: Uncertain significance for Hereditary cancer-predisposing syndrome. Last evaluated: 2026-03-04. Review status: criteria provided, single submitter. Criteria: Ambry Variant Classification Scheme 2023. Collection method: clinical testing. Allele origin: germline.
Comment: The c.4358-1G>A intronic variant results from a G to A substitution one nucleotide upstream from coding exon 12 of the BRCA1 gene. This nucleotide position is highly conserved in available vertebrate species, and is part of an acceptor site that has a known alternate acceptor site 3 nucleotides downstream of the native site, producing a transcript that is predicted to result in the in-frame loss of a single amino acid at the beginning of coding exon 12 (this transcript is also called &Delta;14p in some literature, e.g. Colombo M et al. Hum Mol Genet, 2014 Jul;23:3666-80). This alteration is confirmed to produce increased amounts of this transcript (Ambry internal data), however, this transcript is a naturally occurring isoform and is present in control samples (Ambry internal data; Colombo M et al. Hum Mol Genet, 2014 Jul;23:3666-80). The clinical impact of alterations impacting this acceptor site is not clear. In silico splice site analysis for this alteration is inconclusive. Based on the available evidence, the clinical significance of this variant remains unclear.

Color Diagnostics, LLC DBA Color Health
Classification: Uncertain significance for Hereditary cancer-predisposing syndrome. Last evaluated: 2021-06-28. Review status: criteria provided, single submitter. Criteria: ACMG Guidelines, 2015. Collection method: clinical testing. Allele origin: germline.
Comment: This variant causes a G to A nucleotide substitution at the -1 position of intron 12 of the BRCA1 gene. RNA studies have shown that a cryptic site at c.4360, resulting an a single amino acid deletion (r.4358_4360del), is utilized at a significant proportion of transcripts in control individuals (PMID: 24569164, 32133419). This variant has been reported in individuals affected with ovarian cancer (PMID: 33526602). This variant has not been identified in the general population by the Genome Aggregation Database (gnomAD). The available evidence is insufficient to determine the role of this variant in disease conclusively. Therefore, this variant is classified as a Variant of Uncertain Significance.

Labcorp Genetics (formerly Invitae), Labcorp
Classification: Uncertain significance for Hereditary breast ovarian cancer syndrome. Last evaluated: 2021-06-26. Review status: criteria provided, single submitter. Criteria: Invitae Variant Classification Sherloc (09022015). Collection method: clinical testing. Allele origin: germline.
Comment: In summary, the available evidence is currently insufficient to determine the role of this variant in disease. Therefore, it has been classified as a Variant of Uncertain Significance. Experimental studies have shown that sequence changes that disrupt this acceptor splice site may alter splicing of exon 13 (also referred to as exon 14 in the literature), resulting in the deletion of 1 amino acid of the BRCA1 protein, thereby preserving the integrity of the reading frame (PMID: 24569164). This alternative in-frame transcript has also been reported to occur naturally in healthy individuals (PMID: 24569164). This variant has not been reported in the literature in individuals with BRCA1-related conditions. ClinVar contains an entry for this variant (Variation ID: 230815). This variant is not present in population databases (ExAC no frequency). This sequence change affects an acceptor splice site in intron 12 of the BRCA1 gene.

Literature cited by the submitters: PubMed 24569164 (cited by Ambry Genetics and Labcorp Genetics (formerly Invitae), Labcorp).